The following is an entry in ClinVar:

ClinVar aggregate classification (germline): Likely benign (1 of 4 stars; one submission).

Conditions:
KMT2D-related disorder. Also called: KMT2D-Related Disorders.

gnomAD v4.1: 1 of 1,609,228 alleles (0.000062%); highest among the groups gnomAD compares: Middle Eastern, 0.017%; no homozygotes.

Submission:

PreventionGenetics, part of Exact Sciences
Classification: Likely benign for KMT2D-related condition. Last evaluated: 2024-11-04. Review status: criteria provided, single submitter. Criteria: ACMG Guidelines, 2015. Collection method: clinical testing. Allele origin: germline.
Comment: This variant is classified as likely benign based on ACMG/AMP sequence variant interpretation guidelines (Richards et al. 2015 PMID: 25741868, with internal and published modifications).

NM_003482.4(KMT2D):c.8901C>G (p.Pro2967=)

Gene: KMT2D (lysine methyltransferase 2D; minus strand). Cytogenetic location: 12q13.12.
Variant type: single nucleotide variant.
Coding change: c.8901C>G on transcript NM_003482.4 (MANE Select); coding-DNA position 8901, C replaced by G.
Protein change: p.Pro2967=; no amino-acid change (proline 2967 retained).
Molecular consequence: synonymous variant.
Genome position (GRCh38, 1-based): chr12:49,038,455, G>C on the plus strand (C>G on the coding strand, the complement: KMT2D is on the minus strand). VCF-style: chr12-49038455-G-C. GRCh37 (hg19) VCF-style: chr12-49432238-G-C.
Identifiers: ClinVar variation 4985124 (VCV004985124.1), dbSNP rs767675707.
Genomic context (GRCh38, chr12:49,038,455, plus strand): 5'-GGGCAACTTCCCAGCTTCCAGGGCCAGAGGATTGGGGCGGCCAAGCTCAGTGCTCGACGG[G>C]GGCCGGTTGACCAGCTCCAAACCAGTTGGCAGGGTAGGACCCTTGGTGTGGGGTGTTGGA-3'
Protein context (NP_003473.3, residues 2957-2977): LPTGLELVNR[Pro2967=]PSSTELGRPN